The following is an entry in ClinVar:

ClinVar aggregate classification (germline): Pathogenic (1 of 4 stars; one submission).

Conditions:
Multiple epiphyseal dysplasia type 1. Also called: COMP-Related Multiple Epiphyseal Dysplasia. Identifiers: Orphanet 93308, MedGen C1838280, MONDO:0007561, OMIM 132400.

Submission:

Clinical Biomedical Laboratory, Shriners Hospital For Children - Canada
Classification: Pathogenic for Multiple epiphyseal dysplasia type 1. Last evaluated: 2026-03-10. Review status: criteria provided, single submitter. Criteria: ACMG Guidelines, 2015. Collection method: clinical testing. Allele origin: germline. Affected: yes.
Comment: This variant is predicted to substitute an aspartic acid residue by a glycine residue. This variant has not been observed in the Genome Aggregation Database v2.1.1. A different variant affecting the same amino acid (c.1423G>A, p.Asp475Asn) has been described in Clinvar (Variation ID:2138263) as pathogenic. Computational tools: (SIFT = 0, damaging; Polyphen-2 = 1.0, detrimental; PhyloP = 7.6 conserved) suggest that the amino acid is conserved and that the change is detrimental to protein function. Based on the ACMG variant interpretation guidelines, the available evidence supports classification of this variant as pathogenic.

NM_000095.3(COMP):c.1424A>G (p.Asp475Gly)

Gene: COMP (cartilage oligomeric matrix protein; minus strand). Cytogenetic location: 19p13.11.
Variant type: single nucleotide variant.
Coding change: c.1424A>G on transcript NM_000095.3 (MANE Select); coding-DNA position 1424, A replaced by G.
Protein change: p.Asp475Gly; replaces aspartic acid 475 with glycine.
Molecular consequence: missense variant.
Genome position (GRCh38, 1-based): chr19:18,786,030, T>C on the plus strand (A>G on the coding strand, the complement: COMP is on the minus strand). VCF-style: chr19-18786030-T-C. GRCh37 (hg19) VCF-style: chr19-18896840-T-C.
Other names: short protein forms D475G.
Identifiers: ClinVar variation 4819371 (VCV004819371.1).